The following is an entry in ClinVar:

NM_001927.4(DES):c.1024-5T>G

Gene: DES (desmin; plus strand). Cytogenetic location: 2q35.
Variant type: single nucleotide variant.
Coding change: c.1024-5T>G on transcript NM_001927.4 (MANE Select); 5 bases into the intron before coding-DNA position 1024, T replaced by G.
Molecular consequence: intron variant.
Genome position (GRCh38, 1-based): chr2:219,421,335, T>G. VCF-style: chr2-219421335-T-G. GRCh37 (hg19) VCF-style: chr2-220286057-T-G.
Other names: c.1024-5T>G (NM_001382712.1); c.1024-26T>G (NM_001382711.1); c.1024-74T>G (NM_001382710.1); c.736-149T>G (NM_001382709.1); c.1021-5T>G (NM_001382708.1); c.754-5T>G (NM_001382713.1).
Identifiers: ClinVar variation 3339912 (VCV003339912.1).

ClinVar aggregate classification (germline): Uncertain significance (1 of 4 stars; one submission).

Submission:

Women's Health and Genetics/Laboratory Corporation of America, LabCorp
Classification: Uncertain significance. Last evaluated: 2024-06-20. Review status: criteria provided, single submitter. Criteria: LabCorp Variant Classification Summary - May 2015. Collection method: clinical testing. Allele origin: germline.
Comment: Variant summary: DES c.1024-5T>G alters a non-conserved nucleotide located close to a canonical splice site and therefore could affect mRNA splicing, leading to a significantly altered protein sequence. Several computational tools predict a significant impact on normal splicing: Three predict the variant weakens a 3' acceptor site. However, these predictions have yet to be confirmed by functional studies. The variant was absent in 251112 control chromosomes. The available data on variant occurrences in the general population are insufficient to allow any conclusion about variant significance. To our knowledge, no occurrence of c.1024-5T>G in individuals affected with Cardiomyopathy and no experimental evidence demonstrating its impact on protein function have been reported. No submitters have cited clinical-significance assessments for this variant to ClinVar. Based on the evidence outlined above, the variant was classified as uncertain significance.